The following is an entry in ClinVar:

NM_000834.5(GRIN2B):c.4296_4297inv (p.Ala1433Pro)

Gene: GRIN2B (glutamate ionotropic receptor NMDA type subunit 2B; minus strand). Cytogenetic location: 12p13.1.
Variant type: Inversion.
Coding change: c.4296_4297inv on transcript NM_000834.5 (MANE Select).
Protein change: p.Ala1433Pro; replaces alanine 1433 with proline.
Molecular consequence: missense variant.
Genome position: GRCh38 VCF-style: chr12-13562941-CC-GG. GRCh37 (hg19) VCF-style: chr12-13715875-CC-GG.
Other names: c.4296_4297inv, p.Ala1433Pro (NM_001413992.1); short protein forms A1433P.
Identifiers: ClinVar variation 3759814 (VCV003759814.2).

ClinVar aggregate classification (germline): Uncertain significance (1 of 4 stars; one submission).

Conditions:
Developmental and epileptic encephalopathy, 27 (DEE27). Also called: Epileptic encephalopathy, early infantile, 27; GRIN2B-Related Neurodevelopmental Disorder. Identifiers: Orphanet 3451, MedGen C4015316, MONDO:0014505, OMIM 616139.
Intellectual developmental disorder, autosomal dominant 6, with or without seizures. Also called: Intellectual disability, autosomal dominant 6; GRIN2B-related developmental delay, intellectual disability and autism spectrum disorder. Identifiers: Orphanet 589547, MedGen C3151411, MONDO:0013509, OMIM 613970.

Submission:

Labcorp Genetics (formerly Invitae), Labcorp
Classification: Uncertain significance for Developmental and epileptic encephalopathy, 27; Intellectual developmental disorder, autosomal dominant 6, with or without seizures. Last evaluated: 2024-11-18. Review status: criteria provided, single submitter. Criteria: Invitae Variant Classification Sherloc (09022015). Collection method: clinical testing. Allele origin: germline.
Comment: This sequence change replaces alanine, which is neutral and non-polar, with proline, which is neutral and non-polar, at codon 1433 of the GRIN2B protein (p.Ala1433Pro). Information on the frequency of this variant in the gnomAD database is not available, as this variant may be reported differently in the database. This variant has not been reported in the literature in individuals affected with GRIN2B-related conditions. Experimental studies and prediction algorithms are not available or were not evaluated, and the functional significance of this variant is currently unknown. In summary, the available evidence is currently insufficient to determine the role of this variant in disease. Therefore, it has been classified as a Variant of Uncertain Significance.